The following is an entry in ClinVar:

ClinVar aggregate classification (germline): Uncertain significance (1 of 4 stars; one submission).

Conditions:
Baller-Gerold syndrome (BGS). Also called: CRANIOSYNOSTOSIS WITH RADIAL DEFECTS. Identifiers: Orphanet 1225, MedGen C0265308, MONDO:0009039, OMIM 218600.

Allele frequency attached by ClinVar (database versions not stated): gnomAD exomes below 0.00001.
gnomAD v4.1: 2 of 1,612,772 alleles (0.00012%); highest among the groups gnomAD compares: Non-Finnish European, 0.000085%; no homozygotes.

Submission:

Labcorp Genetics (formerly Invitae), Labcorp
Classification: Uncertain significance for Baller-Gerold syndrome. Last evaluated: 2025-04-07. Review status: criteria provided, single submitter. Criteria: Invitae Variant Classification Sherloc (09022015). Collection method: clinical testing. Allele origin: germline.
Comment: This sequence change replaces serine, which is neutral and polar, with phenylalanine, which is neutral and non-polar, at codon 455 of the RECQL4 protein (p.Ser455Phe). This variant is not present in population databases (gnomAD no frequency). This variant has not been reported in the literature in individuals affected with RECQL4-related conditions. ClinVar contains an entry for this variant (Variation ID: 650162). Invitae Evidence Modeling of protein sequence and biophysical properties (such as structural, functional, and spatial information, amino acid conservation, physicochemical variation, residue mobility, and thermodynamic stability) indicates that this missense variant is not expected to disrupt RECQL4 protein function with a negative predictive value of 80%. In summary, the available evidence is currently insufficient to determine the role of this variant in disease. Therefore, it has been classified as a Variant of Uncertain Significance.

NM_004260.4(RECQL4):c.1364C>T (p.Ser455Phe)

Gene: RECQL4 (RecQ like helicase 4; minus strand). Cytogenetic location: 8q24.3.
Variant type: single nucleotide variant.
Coding change: c.1364C>T on transcript NM_004260.4 (MANE Select); coding-DNA position 1364, C replaced by T.
Protein change: p.Ser455Phe; replaces serine 455 with phenylalanine.
Molecular consequence: missense variant.
Genome position (GRCh38, 1-based): chr8:144,515,352, G>A on the plus strand (C>T on the coding strand, the complement: RECQL4 is on the minus strand). VCF-style: chr8-144515352-G-A. GRCh37 (hg19) VCF-style: chr8-145740736-G-A.
Other names: short protein forms S455F.
Identifiers: ClinVar variation 650162 (VCV000650162.7), dbSNP rs1586817192, ClinGen allele CA372685397.